The following is an entry in ClinVar:

ClinVar aggregate classification (germline): Uncertain significance. Review status: criteria provided, multiple submitters, no conflicts (2 of 4 stars). 2 submissions from 2 submitters: Uncertain significance (2). Last evaluated 2024-09-11.

Conditions:
Inborn genetic diseases. Identifiers: MedGen C0950123, MeSH D030342.
Epidermolysis bullosa simplex 5B, with muscular dystrophy (EBS5B). Also called: EPIDERMOLYSIS BULLOSA SIMPLEX AND LIMB-GIRDLE MUSCULAR DYSTROPHY; Epidermolysis bullosa simplex with muscular dystrophy. Identifiers: Orphanet 257, MedGen C2931072, MONDO:0009181, OMIM 226670.
Epidermolysis bullosa simplex, Ogna type (EBS5A). Also called: EPIDERMOLYSIS BULLOSA SIMPLEX 5A, OGNA TYPE; Pidermolysis bullosa simplex 5A, Ogna type. Identifiers: Orphanet 79401, MedGen C0432317, MONDO:0007555, OMIM 131950.
Epidermolysis bullosa simplex with nail dystrophy (EBS5D). Identifiers: MedGen C4225309, MONDO:0014661, OMIM 616487.
Autosomal recessive limb-girdle muscular dystrophy type 2Q (LGMDR17). Also called: MUSCULAR DYSTROPHY, LIMB-GIRDLE, AUTOSOMAL RECESSIVE 17. Identifiers: Orphanet 254361, MedGen C3150989, MONDO:0013390, OMIM 613723.
Epidermolysis bullosa simplex 5C, with pyloric atresia (EBS5C). Also called: Epidermolysis bullosa simplex with pyloric atresia; PLEC-Related Epidermolysis Bullosa with Pyloric Atresia; PLEC1-Related Epidermolysis Bullosa with Pyloric Atresia. Identifiers: Orphanet 158684, MedGen C2677349, MONDO:0012807, OMIM 612138.

Submissions (2):

Ambry Genetics
Classification: Uncertain significance for Inborn genetic diseases. Last evaluated: 2024-09-11. Review status: criteria provided, single submitter. Criteria: Ambry Variant Classification Scheme 2023. Collection method: clinical testing. Allele origin: germline.

Labcorp Genetics (formerly Invitae), Labcorp
Classification: Uncertain significance for Autosomal recessive limb-girdle muscular dystrophy type 2Q; Epidermolysis bullosa simplex, Ogna type; Epidermolysis bullosa simplex with nail dystrophy; Epidermolysis bullosa simplex 5C, with pyloric atresia; Epidermolysis bullosa simplex 5B, with muscular dystrophy. Last evaluated: 2021-01-08. Review status: criteria provided, single submitter. Criteria: Invitae Variant Classification Sherloc (09022015). Collection method: clinical testing. Allele origin: germline.
Comment: This variant has not been reported in the literature in individuals with PLEC-related conditions. This sequence change replaces alanine with proline at codon 612 of the PLEC protein (p.Ala612Pro). The alanine residue is moderately conserved and there is a small physicochemical difference between alanine and proline. This variant is not present in population databases (ExAC no frequency). Algorithms developed to predict the effect of missense changes on protein structure and function are either unavailable or do not agree on the potential impact of this missense change (SIFT: "Tolerated"; PolyPhen-2: "Not Available"; Align-GVGD: "Class C0"). In summary, the available evidence is currently insufficient to determine the role of this variant in disease. Therefore, it has been classified as a Variant of Uncertain Significance.

NM_201384.3(PLEC):c.1753G>C (p.Ala585Pro)

Gene: PLEC (plectin; minus strand). Cytogenetic location: 8q24.3.
Variant type: single nucleotide variant.
Coding change: c.1753G>C on transcript NM_201384.3 (MANE Select); coding-DNA position 1753, G replaced by C.
Protein change: p.Ala585Pro; replaces alanine 585 with proline.
Molecular consequence: missense variant.
Genome position (GRCh38, 1-based): chr8:143,932,697, C>G on the plus strand (G>C on the coding strand, the complement: PLEC is on the minus strand). VCF-style: chr8-143932697-C-G. GRCh37 (hg19) VCF-style: chr8-145006865-C-G.
Other names: c.1834G>C (NM_000445.3); c.1834G>C, p.Ala612Pro (NM_000445.5); c.1711G>C, p.Ala571Pro (NM_201378.4); c.1687G>C, p.Ala563Pro (NM_201379.3); c.2164G>C, p.Ala722Pro (NM_201380.4); c.1657G>C, p.Ala553Pro (NM_201381.3); c.1753G>C, p.Ala585Pro (NM_201382.4); c.1765G>C, p.Ala589Pro (NM_201383.3); short protein forms A571P, A722P, A563P, A612P, A553P, A585P, A589P.
Identifiers: ClinVar variation 1412264 (VCV001412264.9), dbSNP rs368520468, ClinGen allele CA372579033.